The following is an entry in ClinVar:

ClinVar aggregate classification (germline): Uncertain significance (1 of 4 stars; one submission).

Allele frequency attached by ClinVar (database versions not stated): gnomAD 0.00001; TOPMed 0.00001.
gnomAD v4.1: 2 of 1,575,250 alleles (0.00013%); highest among the groups gnomAD compares: Non-Finnish European, 0.00017%; no homozygotes.

Submission:

Labcorp Genetics (formerly Invitae), Labcorp
Classification: Uncertain significance. Last evaluated: 2026-01-27. Review status: criteria provided, single submitter. Criteria: Invitae Variant Classification Sherloc (09022015). Collection method: clinical testing. Allele origin: germline.
Comment: This sequence change replaces proline, which is neutral and non-polar, with leucine, which is neutral and non-polar, at codon 429 of the TNNI3K protein (p.Pro429Leu). The frequency data for this variant in the population databases is considered unreliable, as metrics indicate poor data quality at this position in the gnomAD database. This variant has not been reported in the literature in individuals affected with TNNI3K-related conditions. ClinVar contains an entry for this variant (Variation ID: 1383899). Invitae Evidence Modeling of protein sequence and biophysical properties (such as structural, functional, and spatial information, amino acid conservation, physicochemical variation, residue mobility, and thermodynamic stability) indicates that this missense variant is not expected to disrupt TNNI3K protein function with a negative predictive value of 80%. In summary, the available evidence is currently insufficient to determine the role of this variant in disease. Therefore, it has been classified as a Variant of Uncertain Significance.

NM_015978.3(TNNI3K):c.1286C>T (p.Pro429Leu)

Genes: FPGT-TNNI3K (FPGT-TNNI3K readthrough; plus strand), TNNI3K (TNNI3 interacting kinase; plus strand). Cytogenetic location: 1p31.1.
Variant type: single nucleotide variant.
Coding change: c.1286C>T on transcript NM_015978.3 (MANE Select); coding-DNA position 1286, C replaced by T.
Protein change: p.Pro429Leu; replaces proline 429 with leucine.
Molecular consequence: missense variant.
Genome position (GRCh38, 1-based): chr1:74,367,929, C>T. VCF-style: chr1-74367929-C-T. GRCh37 (hg19) VCF-style: chr1-74833613-C-T.
Other names: c.1589C>T, p.Pro530Leu (NM_001112808.3, NM_001199327.2); short protein forms P429L, P530L.
Identifiers: ClinVar variation 1383899 (VCV001383899.6), dbSNP rs1399059975, ClinGen allele CA340785617.